The following is an entry in ClinVar:

ClinVar aggregate classification (germline): Benign/Likely benign. Review status: criteria provided, multiple submitters, no conflicts (2 of 4 stars). 3 submissions from 3 submitters: Benign (1); Likely benign (2). Last evaluated 2025-12-17.

Conditions:
Rafiq syndrome (RAFQS). Identifiers: Orphanet 88616, MedGen C3280127, MONDO:0013624, OMIM 614202.

Allele frequency attached by ClinVar (database versions not stated): 1000 Genomes Project 0.00020; ExAC 0.00021; gnomAD 0.00024 and 0.00025.
gnomAD v4.1: 166 of 1,541,664 alleles (0.011%); highest among the groups gnomAD compares: East Asian, 0.078%; 1 homozygote.

Submissions (3):

Labcorp Genetics (formerly Invitae), Labcorp
Classification: Benign for Rafiq syndrome. Last evaluated: 2025-12-17. Review status: criteria provided, single submitter. Criteria: Invitae Variant Classification Sherloc (09022015). Collection method: clinical testing. Allele origin: germline.

Mayo Clinic Laboratories, Mayo Clinic
Classification: Likely benign. Last evaluated: 2024-11-18. Review status: criteria provided, single submitter. Criteria: ACMG Guidelines, 2015. Collection method: clinical testing. Allele origin: germline. Observed: 1 variant allele.
Comment: BS1, BP4, BP7

Blueprint Genetics
Classification: Likely benign. Last evaluated: 2024-07-12. Review status: criteria provided, single submitter. Criteria: ACMG Guidelines, 2015. Collection method: clinical testing. Allele origin: germline.

NM_016219.5(MAN1B1):c.1445+19C>T

Gene: MAN1B1 (mannosidase alpha class 1B member 1; plus strand). Cytogenetic location: 9q34.3.
Variant type: single nucleotide variant.
Coding change: c.1445+19C>T on transcript NM_016219.5 (MANE Select); 19 bases into the intron after coding-DNA position 1445, C replaced by T.
Molecular consequence: intron variant.
Genome position (GRCh38, 1-based): chr9:137,106,334, C>T. VCF-style: chr9-137106334-C-T. GRCh37 (hg19) VCF-style: chr9-140000786-C-T.
Other names: p.?.
Identifiers: ClinVar variation 1645794 (VCV001645794.10), dbSNP rs374413288, ClinGen allele CA5359215.